The following is an entry in ClinVar:

ClinVar aggregate classification (germline): Likely benign. Review status: criteria provided, multiple submitters, no conflicts (2 of 4 stars). 2 submissions from 2 submitters: Likely benign (2). Last evaluated 2025-04-17.

Allele frequency attached by ClinVar (database versions not stated): gnomAD exomes 0.00002; TOPMed 0.00002; ExAC 0.00004; gnomAD 0.00006.
gnomAD v4.1: 37 of 1,613,648 alleles (0.0023%); highest among the groups gnomAD compares: African/African-American, 0.0093%; no homozygotes.

Submissions (2):

Labcorp Genetics (formerly Invitae), Labcorp
Classification: Likely benign. Last evaluated: 2025-04-17. Review status: criteria provided, single submitter. Criteria: Invitae Variant Classification Sherloc (09022015). Collection method: clinical testing. Allele origin: germline.

CeGaT Center for Human Genetics Tuebingen
Classification: Likely benign. Last evaluated: 2023-01-01. Review status: criteria provided, single submitter. Criteria: CeGaT Center For Human Genetics Tuebingen Variant Classification Criteria Version 2. Collection method: clinical testing. Allele origin: germline. Affected: yes. Observed: 1 variant allele.
Comment: FASTKD2: BP4, BP7

NM_001136193.2(FASTKD2):c.1713G>A (p.Ser571=)

Gene: FASTKD2 (FASTK mitochondrial RNA regulator 2; plus strand). Cytogenetic location: 2q33.3.
Variant type: single nucleotide variant.
Coding change: c.1713G>A on transcript NM_001136193.2 (MANE Select); coding-DNA position 1713, G replaced by A.
Protein change: p.Ser571=; no amino-acid change (serine 571 retained).
Molecular consequence: synonymous variant.
Genome position (GRCh38, 1-based): chr2:206,788,055, G>A. VCF-style: chr2-206788055-G-A. GRCh37 (hg19) VCF-style: chr2-207652779-G-A.
Other names: c.1713G>A, p.Ser571= (NM_001136194.2, NM_014929.4).
Identifiers: ClinVar variation 1924650 (VCV001924650.29), dbSNP rs762505449, ClinGen allele CA2075245.